The following is an entry in ClinVar:

ClinVar aggregate classification (germline): Uncertain significance (1 of 4 stars; one submission).

Allele frequency attached by ClinVar (database versions not stated): gnomAD exomes below 0.00001 and 0.00001; TOPMed below 0.00001; ExAC 0.00001; gnomAD 0.00001.
gnomAD v4.1: 7 of 1,614,000 alleles (0.00043%); highest among the groups gnomAD compares: Non-Finnish European, 0.00059%; no homozygotes.

Submission:

GeneDx
Classification: Uncertain significance. Last evaluated: 2014-07-03. Review status: criteria provided, single submitter. Criteria: GeneDx Variant Classification (06012015). Collection method: clinical testing. Allele origin: germline. Affected: yes.
Comment: The S136R variant has not been published as a mutation, nor has it been reported as a benign polymorphism to our knowledge. The S136R variant is a semi-conservative amino acid substitution, which may impact secondary protein structure as these residues differ in some properties. This substitution occurs at a position that is moderately conserved across species. In silico analysis is inconsistent in its predictions as to whether or not the variant is damaging to the protein structure/function. Therefore, based on the currently available information, it is unclear whether this variant is a pathogenic mutation or a rare benign variant. The variant is found in MITONUC-MITOP panel(s).

NM_001352514.2(HLCS):c.849C>G (p.Ser283Arg)

Gene: HLCS (holocarboxylase synthetase; minus strand). Cytogenetic location: 21q22.13.
Variant type: single nucleotide variant.
Coding change: c.849C>G on transcript NM_001352514.2 (MANE Select); coding-DNA position 849, C replaced by G.
Protein change: p.Ser283Arg; replaces serine 283 with arginine.
Molecular consequence: missense variant. On other transcripts: non-coding transcript variant (2).
Genome position (GRCh38, 1-based): chr21:36,937,037, G>C on the plus strand (C>G on the coding strand, the complement: HLCS is on the minus strand). VCF-style: chr21-36937037-G-C. GRCh37 (hg19) VCF-style: chr21-38309337-G-C.
Other names: p.S136R:AGC>AGG; c.408C>G, p.Ser136Arg (NM_000411.8, NM_001242784.3, NM_001242785.2 and 4 more transcripts); short protein forms S136R, S283R.
Identifiers: ClinVar variation 203774 (VCV000203774.2), dbSNP rs750202558, ClinGen allele CA312630.